The following is an entry in ClinVar:

ClinVar aggregate classification (germline): Uncertain significance. Review status: criteria provided, multiple submitters, no conflicts (2 of 4 stars). 3 submissions from 3 submitters: Uncertain significance (3). Last evaluated 2025-10-08.

Conditions:
Hereditary cancer-predisposing syndrome. Also called: Neoplastic Syndromes, Hereditary; Tumor predisposition; Hereditary Cancer Syndrome; Hereditary neoplastic syndrome. Identifiers: Orphanet 140162, MedGen C0027672, MeSH D009386, MONDO:0015356.
Hereditary pheochromocytoma and paraganglioma. Also called: Hereditary pheochromocytoma-paraganglioma; Hereditary Paraganglioma-Pheochromocytoma Syndromes; Hereditary paragangliomas and pheochromocytomas. Identifiers: Orphanet 29072, MedGen C4274332, MONDO:0017366.
Pheochromocytoma/paraganglioma syndrome 4. Also called: CAROTID BODY TUMORS AND MULTIPLE EXTRAADRENAL PHEOCHROMOCYTOMAS; SDHB-Related Hereditary Paraganglioma-Pheochromocytoma Syndrome (Paragangliomas 4); SDHB-Related Hereditary Paraganglioma-Pheochromocytoma Syndrome; PARAGANGLIOMA, FAMILIAL MALIGNANT; PARAGANGLIOMAS, HEREDITARY EXTRAADRENAL; PHEOCHROMOCYTOMA, FAMILIAL EXTRAADRENAL. Identifiers: Orphanet 29072, MedGen C1861848, MONDO:0007273, OMIM 115310.
Gastrointestinal stromal tumor. Also called: Gastrointestinal stromal tumor, somatic; Gastrointestinal stroma tumor. Identifiers: Orphanet 44890, MedGen C0238198, MeSH D046152, MONDO:0011719, OMIM 606764, HP:0100723.
Pheochromocytoma. Also called: MAX-Related Hereditary Paraganglioma-Pheochromocytoma Syndrome. Identifiers: Orphanet 29072, MedGen C0031511, MONDO:0008233, OMIM 171300, HP:0002666.

gnomAD v4.1: 2 of 1,607,112 alleles (0.00012%); highest among the groups gnomAD compares: African/African-American, 0.0013%; no homozygotes.

Submissions (3):

Labcorp Genetics (formerly Invitae), Labcorp
Classification: Uncertain significance for Gastrointestinal stromal tumor; Pheochromocytoma/paraganglioma syndrome 4; Pheochromocytoma. Last evaluated: 2025-10-08. Review status: criteria provided, single submitter. Criteria: Invitae Variant Classification Sherloc (09022015). Collection method: clinical testing. Allele origin: germline.
Comment: This sequence change replaces tyrosine, which is neutral and polar, with phenylalanine, which is neutral and non-polar, at codon 147 of the SDHB protein (p.Tyr147Phe). This variant is not present in population databases (gnomAD no frequency). This variant has not been reported in the literature in individuals affected with SDHB-related conditions. ClinVar contains an entry for this variant (Variation ID: 824870). Invitae Evidence Modeling of protein sequence and biophysical properties (such as structural, functional, and spatial information, amino acid conservation, physicochemical variation, residue mobility, and thermodynamic stability) indicates that this missense variant is not expected to disrupt SDHB protein function with a negative predictive value of 80%. In summary, the available evidence is currently insufficient to determine the role of this variant in disease. Therefore, it has been classified as a Variant of Uncertain Significance.

Color Diagnostics, LLC DBA Color Health
Classification: Uncertain significance for Hereditary pheochromocytoma and paraganglioma. Last evaluated: 2025-09-10. Review status: criteria provided, single submitter. Criteria: ACMG Guidelines, 2015. Collection method: clinical testing. Allele origin: germline.
Comment: This missense variant replaces tyrosine with phenylalanine at codon 147 of the SDHB protein. Computational prediction is inconclusive regarding the impact of this variant on protein structure and function. To our knowledge, functional studies have not been reported for this variant. This variant has not been reported in individuals affected with SDHB-related disorders in the literature. This variant has not been identified in the general population by the Genome Aggregation Database (gnomAD). The available evidence is insufficient to determine the role of this variant in disease conclusively. Therefore, this variant is classified as a Variant of Uncertain Significance.

Ambry Genetics
Classification: Uncertain significance for Hereditary cancer-predisposing syndrome. Last evaluated: 2024-02-22. Review status: criteria provided, single submitter. Criteria: Ambry Variant Classification Scheme 2023. Collection method: clinical testing. Allele origin: germline.
Comment: The p.Y147F variant (also known as c.440A>T), located in coding exon 5 of the SDHB gene, results from an A to T substitution at nucleotide position 440. The tyrosine at codon 147 is replaced by phenylalanine, an amino acid with highly similar properties. This amino acid position is well conserved in available vertebrate species. In addition, the in silico prediction for this alteration is inconclusive. Since supporting evidence is limited at this time, the clinical significance of this alteration remains unclear.

NM_003000.3(SDHB):c.440A>T (p.Tyr147Phe)

Gene: SDHB (succinate dehydrogenase complex iron sulfur subunit B; minus strand). Cytogenetic location: 1p36.13.
Variant type: single nucleotide variant.
Coding change: c.440A>T on transcript NM_003000.3 (MANE Select); coding-DNA position 440, A replaced by T.
Protein change: p.Tyr147Phe; replaces tyrosine 147 with phenylalanine.
Molecular consequence: missense variant.
Genome position (GRCh38, 1-based): chr1:17,027,849, T>A on the plus strand (A>T on the coding strand, the complement: SDHB is on the minus strand). VCF-style: chr1-17027849-T-A. GRCh37 (hg19) VCF-style: chr1-17354344-T-A.
Other names: short protein forms Y147F.
Identifiers: ClinVar variation 824870 (VCV000824870.12), dbSNP rs774568101, ClinGen allele CA338273349.